The following is an entry in ClinVar:

NM_007272.3(CTRC):c.238C>T (p.Arg80Trp)

Gene: CTRC (chymotrypsin C; plus strand). Cytogenetic location: 1p36.21.
Variant type: single nucleotide variant.
Coding change: c.238C>T on transcript NM_007272.3 (MANE Select); coding-DNA position 238, C replaced by T.
Protein change: p.Arg80Trp; replaces arginine 80 with tryptophan.
Molecular consequence: missense variant.
Genome position (GRCh38, 1-based): chr1:15,442,454, C>T. VCF-style: chr1-15442454-C-T. GRCh37 (hg19) VCF-style: chr1-15768950-C-T.
Other names: short protein forms R80W.
Identifiers: ClinVar variation 936094 (VCV000936094.14), dbSNP rs779643710, ClinGen allele CA613288.

ClinVar aggregate classification (germline): Uncertain significance. Review status: criteria provided, multiple submitters, no conflicts (2 of 4 stars). 3 submissions from 3 submitters: Uncertain significance (3). Last evaluated 2025-10-16.

Conditions:
Hereditary pancreatitis (PCTT). Also called: PRSS1-Related Hereditary Pancreatitis; Hereditary chronic pancreatitis. Identifiers: Orphanet 676, MedGen C0238339, MONDO:0008185, OMIM 167800.

Allele frequency attached by ClinVar (database versions not stated): gnomAD below 0.00001 and 0.00001; ExAC 0.00001; gnomAD exomes 0.00001; TOPMed 0.00002.

Submissions (3):

Ambry Genetics
Classification: Uncertain significance for Hereditary pancreatitis. Last evaluated: 2025-10-16. Review status: criteria provided, single submitter. Criteria: Ambry Variant Classification Scheme 2023. Collection method: clinical testing. Allele origin: germline.
Comment: The p.R80W variant (also known as c.238C>T), located in coding exon 4 of the CTRC gene, results from a C to T substitution at nucleotide position 238. The arginine at codon 80 is replaced by tryptophan, an amino acid with dissimilar properties. In HEK293T cells, this variant demonstrated similar activity as compared to wild type (Szab&oacute; A et al. J. Biol. Chem., 2015 Jul;290:17282-92). This amino acid position is poorly conserved in available vertebrate species. In addition, this alteration is predicted to be tolerated by in silico analysis. Based on available evidence to date, the clinical significance of this alteration remains unclear.

Labcorp Genetics (formerly Invitae), Labcorp
Classification: Uncertain significance for Hereditary pancreatitis. Last evaluated: 2024-05-13. Review status: criteria provided, single submitter. Criteria: Invitae Variant Classification Sherloc (09022015). Collection method: clinical testing. Allele origin: germline.
Comment: This sequence change replaces arginine, which is basic and polar, with tryptophan, which is neutral and slightly polar, at codon 80 of the CTRC protein (p.Arg80Trp). This variant is present in population databases (rs779643710, gnomAD 0.01%). This variant has not been reported in the literature in individuals affected with CTRC-related conditions. ClinVar contains an entry for this variant (Variation ID: 936094). Advanced modeling of protein sequence and biophysical properties (such as structural, functional, and spatial information, amino acid conservation, physicochemical variation, residue mobility, and thermodynamic stability) performed at Invitae indicates that this missense variant is not expected to disrupt CTRC protein function with a negative predictive value of 80%. Experimental studies have shown that this missense change does not substantially affect CTRC function (PMID: 26013824). In summary, the available evidence is currently insufficient to determine the role of this variant in disease. Therefore, it has been classified as a Variant of Uncertain Significance.

Fulgent Genetics
Classification: Uncertain significance for Hereditary pancreatitis. Last evaluated: 2024-05-06. Review status: criteria provided, single submitter. Criteria: ACMG Guidelines, 2015. Collection method: clinical testing. Allele origin: germline.

Literature cited by the submitters: PubMed 26013824 (cited by Ambry Genetics and Labcorp Genetics (formerly Invitae), Labcorp).